The following is an entry in ClinVar:

ClinVar aggregate classification (germline): Benign. Review status: reviewed by expert panel (3 of 4 stars). 23 submissions from 22 submitters: Benign (1). 22 of the submissions do not count toward it. Last evaluated 2023-08-10.

Conditions:
CDH1-related diffuse gastric and lobular breast cancer syndrome. Also called: CDH1-related diffuse gastric and lobular breast cancer. Identifiers: MedGen CN311521, MONDO:0100488.
Breast and/or ovarian cancer. Identifiers: MedGen CN221562.
Hereditary cancer-predisposing syndrome. Also called: Neoplastic Syndromes, Hereditary; Hereditary neoplastic syndrome; Hereditary Cancer Syndrome; Tumor predisposition. Identifiers: Orphanet 140162, MedGen C0027672, MeSH D009386, MONDO:0015356.
Hereditary diffuse gastric adenocarcinoma (HDGC). Also called: DIFFUSE GASTRIC AND LOBULAR BREAST CANCER SYNDROME. Identifiers: Orphanet 26106, MedGen C1708349, MONDO:0007648, OMIM 137215.
Prostate cancer. Also called: Malignant tumor of prostate. Identifiers: Orphanet 1331, MedGen C0376358, MONDO:0008315, HP:0012125.
Malignant tumor of breast. Also called: Malignant breast neoplasm; Cancer breast. Identifiers: MedGen C0006142, MONDO:0007254. Disease mechanism: loss of function.

Allele frequency attached by ClinVar (database versions not stated): 1000 Genomes Project 0.03474; TOPMed 0.03603; ESP Exome Variant Server 0.01808; gnomAD 0.03370; 1000 Genomes Project 30x 0.03435.
gnomAD v4.1: 9,418 of 1,537,598 alleles (0.61%); highest among the groups gnomAD compares: African/African-American, 11%; 509 homozygotes.

Submissions (23):

Clingen Gastric Cancer Variant Curation Expert Panel
Classification: Benign for CDH1-related diffuse gastric and lobular breast cancer syndrome. Last evaluated: 2023-08-10. Review status: reviewed by expert panel. Criteria: ClinGen CDH1 ACMG Specifications V3.1. Collection method: curation. Allele origin: germline. Inheritance: Autosomal dominant inheritance.
Comment: The NM_004360.5(CDH1):c.48+5C>G variant has an allele frequency of 0.11584 (11.584%, 1670/14416 alleles, 98 homozygotes) in the African subpopulation of the gnomAD v2.1.1 cohort (BA1; BP2). Therefore, this variant meets criteria to be classified as benign. ACMG/AMP criteria applied, as specified by the CDH1 Variant Curation Expert Panel (Variant Interpretation Guidelines Version 3.1): BA1, BP2.

Labcorp Genetics (formerly Invitae), Labcorp
Classification: Benign for Hereditary diffuse gastric adenocarcinoma. Last evaluated: 2026-02-04. Review status: criteria provided, single submitter. Criteria: Invitae Variant Classification Sherloc (09022015). Collection method: clinical testing. Allele origin: germline. Not counted in ClinVar's aggregate classification.

ARUP Laboratories, Molecular Genetics and Genomics, ARUP Laboratories
Classification: Benign. Last evaluated: 2025-05-01. Review status: criteria provided, single submitter. Criteria: ARUP Molecular Germline Variant Investigation Process 2024. Collection method: clinical testing. Allele origin: germline. Not counted in ClinVar's aggregate classification.

Center for Genomic Medicine, Rigshospitalet, Copenhagen University Hospital
Classification: Benign. Last evaluated: 2025-03-04. Review status: criteria provided, single submitter. Criteria: ACMG Guidelines, 2015. Collection method: clinical testing. Allele origin: germline. Not counted in ClinVar's aggregate classification.

KCCC/NGS Laboratory, Kuwait Cancer Control Center
Classification: Benign for Hereditary diffuse gastric adenocarcinoma. Last evaluated: 2025-02-01. Review status: criteria provided, single submitter. Criteria: ACMG Guidelines, 2015. Collection method: clinical testing. Allele origin: germline. Affected: no. Not counted in ClinVar's aggregate classification.

Myriad Genetics, Inc.
Classification: Benign for Hereditary diffuse gastric adenocarcinoma. Last evaluated: 2024-09-10. Review status: criteria provided, single submitter. Criteria: Myriad Autosomal Dominant, Autosomal Recessive and X-Linked Classification Criteria (2023). Collection method: clinical testing. Allele origin: unknown. Not counted in ClinVar's aggregate classification.
Comment: This variant is considered benign. This variant is intronic and is not expected to impact mRNA splicing. This variant has been observed at a population frequency that is significantly greater than expected given the associated disease prevalence and penetrance.

KCCC/NGS Laboratory, Kuwait Cancer Control Center
Classification: Benign for Familial prostate cancer. Last evaluated: 2023-07-07. Review status: criteria provided, single submitter. Criteria: ACMG Guidelines, 2015. Collection method: clinical testing. Allele origin: germline. Affected: yes. Not counted in ClinVar's aggregate classification.

European Reference Network on Genetic Tumour Risk Syndromes (ERN-GENTURIS), i3s - Instituto de Investigação e Inovação em Saúde, University of Porto
Classification: Benign for Hereditary diffuse gastric adenocarcinoma. Last evaluated: 2022-08-01. Review status: criteria provided, single submitter. Criteria: Lee et al. (Hum Mutat. 2018). Collection method: clinical testing. Allele origin: germline. Inheritance: Autosomal dominant inheritance. Affected: yes. Study: ERN GENTURIS. Not counted in ClinVar's aggregate classification.
Comment: BA1; BP2_Strong (PMID: 30311375)

CHEO Genetics Diagnostic Laboratory, Children's Hospital of Eastern Ontario
Classification: Benign for Breast and/or ovarian cancer. Last evaluated: 2021-08-09. Review status: criteria provided, single submitter. Criteria: ACMG Guidelines, 2015. Collection method: clinical testing. Allele origin: germline. Not counted in ClinVar's aggregate classification.

Quest Diagnostics Nichols Institute San Juan Capistrano
Classification: Benign. Last evaluated: 2020-06-30. Review status: criteria provided, single submitter. Criteria: Quest Diagnostics criteria. Collection method: clinical testing. Allele origin: unknown. Not counted in ClinVar's aggregate classification.

Illumina Laboratory Services, Illumina
Classification: Benign for Hereditary diffuse gastric adenocarcinoma. Last evaluated: 2018-01-13. Review status: criteria provided, single submitter. Criteria: ICSL Variant Classification Criteria 13 December 2019. Collection method: clinical testing. Allele origin: germline. Not counted in ClinVar's aggregate classification.
Comment: This variant was observed in the ICSL laboratory as part of a predisposition screen in an ostensibly healthy population. It had not been previously curated by ICSL or reported in the Human Gene Mutation Database (HGMD: prior to June 1st, 2018), and was therefore a candidate for classification through an automated scoring system. Utilizing variant allele frequency, disease prevalence and penetrance estimates, and inheritance mode, an automated score was calculated to assess if this variant is too frequent to cause the disease. Based on the score and internal cut-off values, a variant classified as benign is not then subjected to further curation. The score for this variant resulted in a classification of benign for this disease.

GeneDx
Classification: Benign. Last evaluated: 2015-03-03. Review status: criteria provided, single submitter. Criteria: GeneDx Variant Classification Process June 2021. Collection method: clinical testing. Allele origin: germline. Affected: yes. Not counted in ClinVar's aggregate classification.

Eurofins Ntd Llc (ga)
Classification: Benign. Last evaluated: 2015-01-16. Review status: criteria provided, single submitter. Criteria: EGL Classification Definitions 2015. Collection method: clinical testing. Allele origin: germline. Observed: 2 variant alleles, 2 heterozygotes. Not counted in ClinVar's aggregate classification.

Color Diagnostics, LLC DBA Color Health
Classification: Benign for Hereditary cancer-predisposing syndrome. Last evaluated: 2014-12-09. Review status: criteria provided, single submitter. Criteria: ACMG Guidelines, 2015. Collection method: clinical testing. Allele origin: germline. Not counted in ClinVar's aggregate classification.

Ambry Genetics
Classification: Benign for Hereditary cancer-predisposing syndrome. Last evaluated: 2014-11-10. Review status: criteria provided, single submitter. Criteria: Ambry Variant Classification Scheme 2023. Collection method: clinical testing. Allele origin: germline. Not counted in ClinVar's aggregate classification.

Breakthrough Genomics
Classification: Benign. Review status: criteria provided, single submitter. Criteria: ACMG Guidelines, 2015. Collection method: not provided. Allele origin: germline. Inheritance: Autosomal dominant inheritance. Affected: yes. Not counted in ClinVar's aggregate classification.

PreventionGenetics, part of Exact Sciences
Classification: Benign. Review status: criteria provided, single submitter. Criteria: ACMG Guidelines, 2015. Collection method: clinical testing. Allele origin: germline. Not counted in ClinVar's aggregate classification.

True Health Diagnostics
Classification: Likely benign for Hereditary cancer-predisposing syndrome. Last evaluated: 2017-12-08. Review status: no assertion criteria provided. Collection method: clinical testing. Allele origin: germline. Not counted in ClinVar's aggregate classification.

Clinical Genetics, Academic Medical Center
Classification: Benign. Review status: no assertion criteria provided. Collection method: clinical testing. Allele origin: germline. Affected: yes. Study: VKGL Data-share Consensus. Not counted in ClinVar's aggregate classification.

Department of Pathology and Laboratory Medicine, Sinai Health System
Classification: Benign for Malignant tumor of breast. Review status: no assertion criteria provided. Collection method: clinical testing. Allele origin: unknown. Affected: yes. Study: The Canadian Open Genetics Repository (COGR). Not counted in ClinVar's aggregate classification.
Comment: The CDH1 c.48+5C>G variant was identified in 1 of 56 proband chromosomes (frequency: 0.02) from individuals or families with gastric cancer and was not identified in 200 control chromosomes from healthy individuals (Oliveira 2002). The variant was also identified in the following databases: dbSNP (ID: rs77312180) as With Benign allele, ClinVar (classified as benign by Ambry Genetics, Prevention Genetics, Invitae), Clinvitae (classified as benign by ClinVar and Invitae), and Zhejiang Colon Cancer databases. The variant was not identified in Insight Colon Cancer Gene Variant Database. The variant was identified in control databases in 1855 (97 homozygous) of 157630 chromosomes at a frequency of 0.012 increasing the likelihood this could be a low frequency benign variant (Genome Aggregation Consortium Feb 27, 2017). The variant was identified in the following populations at a frequency greater than 1%: African in 1636 of 14186 chromosomes (freq: 0.115). The c.48+5C>G variant is located in the 5' splice region but does not affect the invariant +1 and +2 positions. However, positions +3 to +6 are part of the splicing consensus sequence and variants involving these positions sometimes affect splicing. In addition, 5 of 5 in silico or computational prediction software programs (SpliceSiteFinder, MaxEntScan, NNSPLICE, GeneSplicer, HumanSpliceFinder) predict a greater than 10% difference in splicing. In summary based on the above information this variant meets our laboratory's criteria to be classified as benign.

Genome Diagnostics Laboratory, Amsterdam University Medical Center
Classification: Benign. Review status: no assertion criteria provided. Collection method: clinical testing. Allele origin: germline. Affected: yes. Study: VKGL Data-share Consensus. Not counted in ClinVar's aggregate classification.

Joint Genome Diagnostic Labs from Nijmegen and Maastricht, Radboudumc and MUMC+
Classification: Likely benign. Review status: no assertion criteria provided. Collection method: clinical testing. Allele origin: germline. Affected: yes. Study: VKGL Data-share Consensus. Not counted in ClinVar's aggregate classification.

Mayo Clinic Laboratories, Mayo Clinic
Classification: Benign. Review status: no assertion criteria provided. Collection method: clinical testing. Allele origin: unknown. Not counted in ClinVar's aggregate classification.

Literature cited by the submitters: PubMed 36436516 (cited by European Reference Network on Genetic Tumour Risk Syndromes (ERN-GENTURIS), i3s - Instituto de Investigação e Inovação em Saúde, University of Porto); PubMed 11968083 (cited by Quest Diagnostics Nichols Institute San Juan Capistrano); PubMed 26072394 (cited by Quest Diagnostics Nichols Institute San Juan Capistrano).

NM_004360.5(CDH1):c.48+5C>G

Gene: CDH1 (cadherin 1; plus strand). Cytogenetic location: 16q22.1.
Variant type: single nucleotide variant.
Coding change: c.48+5C>G on transcript NM_004360.5 (MANE Select); 5 bases into the intron after coding-DNA position 48, C replaced by G.
Molecular consequence: intron variant.
Genome position (GRCh38, 1-based): chr16:68,737,468, C>G. VCF-style: chr16-68737468-C-G. GRCh37 (hg19) VCF-style: chr16-68771371-C-G.
Other names: c.-1568+5C>G (NM_001317185.2); c.-1772+5C>G (NM_001317186.2); c.48+5C>G (NM_001317184.2, LRG_301t1).
Identifiers: ClinVar variation 140784 (VCV000140784.57), dbSNP rs77312180, ClinGen allele CA163551.